The following is an entry in ClinVar:

NM_014244.5(ADAMTS2):c.2028C>T (p.Asp676=)

Gene: ADAMTS2 (ADAM metallopeptidase with thrombospondin type 1 motif 2; minus strand). Cytogenetic location: 5q35.3.
Variant type: single nucleotide variant.
Coding change: c.2028C>T on transcript NM_014244.5 (MANE Select); coding-DNA position 2028, C replaced by T.
Protein change: p.Asp676=; no amino-acid change (aspartic acid 676 retained).
Molecular consequence: synonymous variant.
Genome position (GRCh38, 1-based): chr5:179,135,966, G>A on the plus strand (C>T on the coding strand, the complement: ADAMTS2 is on the minus strand). VCF-style: chr5-179135966-G-A. GRCh37 (hg19) VCF-style: chr5-178562967-G-A.
Other names: p.Asp676=.
Identifiers: ClinVar variation 353115 (VCV000353115.20), dbSNP rs1972715, ClinGen allele CA3595709.

ClinVar aggregate classification (germline): Benign. Review status: criteria provided, multiple submitters, no conflicts (2 of 4 stars). 8 submissions from 8 submitters: Benign (7). 1 of the submissions does not count toward it. Last evaluated 2026-02-04.

Conditions:
Ehlers-Danlos syndrome, dermatosparaxis type. Also called: Ehlers-Danlos syndrome, type VII, autosomal recessive; EDS VIIC; Dermatosparaxis. Identifiers: Orphanet 1901, MedGen C2700425, MONDO:0009161, OMIM 225410.

Allele frequency attached by ClinVar (database versions not stated): 1000 Genomes Project 0.19649; 1000 Genomes Project 30x 0.20050; gnomAD exomes 0.22326; ExAC 0.22344; TOPMed 0.23265; gnomAD 0.23918 and 0.24390; ESP Exome Variant Server 0.23997.
gnomAD v4.1: 383,341 of 1,613,032 alleles (24%); highest among the groups gnomAD compares: African/African-American, 25%; 47,024 homozygotes.

Submissions (8):

Labcorp Genetics (formerly Invitae), Labcorp
Classification: Benign for Ehlers-Danlos syndrome, dermatosparaxis type. Last evaluated: 2026-02-04. Review status: criteria provided, single submitter. Criteria: Invitae Variant Classification Sherloc (09022015). Collection method: clinical testing. Allele origin: germline.

Blueprint Genetics
Classification: Benign. Last evaluated: 2024-11-26. Review status: criteria provided, single submitter. Criteria: ACMG Guidelines, 2015. Collection method: clinical testing. Allele origin: germline.

Genome-Nilou Lab
Classification: Benign for Ehlers-Danlos syndrome, dermatosparaxis type. Last evaluated: 2021-05-18. Review status: criteria provided, single submitter. Criteria: ACMG Guidelines, 2015. Collection method: clinical testing. Allele origin: germline. Affected: no.

Mayo Clinic Laboratories, Mayo Clinic
Classification: Benign. Last evaluated: 2019-03-13. Review status: criteria provided, single submitter. Criteria: ACMG Guidelines, 2015. Collection method: clinical testing. Allele origin: germline. Observed: 1,854 variant alleles.

Women's Health and Genetics/Laboratory Corporation of America, LabCorp
Classification: Benign. Last evaluated: 2018-07-05. Review status: criteria provided, single submitter. Criteria: LabCorp Variant Classification Summary - May 2015. Collection method: clinical testing. Allele origin: germline.
Comment: Variant summary: ADAMTS2 c.2028C>T results in a synonymous change. The variant allele was found at a frequency of 0.22 in 120712 control chromosomes in the ExAC database, including 3229 homozygotes. 5/5 computational tools predict no significant impact on normal splicing. However, these predictions have yet to be confirmed by functional studies. The variant allele was found at a frequency of 0.23 in 276950 control chromosomes in the gnomAD database, including 7555 homozygotes. The observed variant frequency is approximately 78-folds higher than the estimated maximal expected allele frequency for a pathogenic variant in ADAMTS2 causing Ehlers-Danlos Syndrome, Type VIIC (Dermatosparaxis) phenotype (0.0029), strongly suggesting that the variant is benign. To our knowledge, no occurrence of c.2028C>T in individuals affected with Ehlers-Danlos Syndrome, Type VIIC (Dermatosparaxis) and no experimental evidence demonstrating its impact on protein function have been reported. Two ClinVar submissions from clinical diagnostic laboratories (evaluation after 2014) cite the variant as "benign." Based on the evidence outlined above, the variant was classified as benign.

Illumina Laboratory Services, Illumina
Classification: Benign for Ehlers-Danlos syndrome, dermatosparaxis type. Last evaluated: 2018-01-13. Review status: criteria provided, single submitter. Criteria: ICSL Variant Classification Criteria 13 December 2019. Collection method: clinical testing. Allele origin: germline.
Comment: This variant was observed in the ICSL laboratory as part of a predisposition screen in an ostensibly healthy population. It had not been previously curated by ICSL or reported in the Human Gene Mutation Database (HGMD: prior to June 1st, 2018), and was therefore a candidate for classification through an automated scoring system. Utilizing variant allele frequency, disease prevalence and penetrance estimates, and inheritance mode, an automated score was calculated to assess if this variant is too frequent to cause the disease. Based on the score and internal cut-off values, a variant classified as benign is not then subjected to further curation. The score for this variant resulted in a classification of benign for this disease.

GeneDx
Classification: Benign. Last evaluated: 2016-09-30. Review status: criteria provided, single submitter. Criteria: GeneDx Variant Classification (06012015). Collection method: clinical testing. Allele origin: germline. Affected: yes.
Comment: This variant is considered likely benign or benign based on one or more of the following criteria: it is a conservative change, it occurs at a poorly conserved position in the protein, it is predicted to be benign by multiple in silico algorithms, and/or has population frequency not consistent with disease.

Natera, Inc.
Classification: Benign for Ehlers-Danlos syndrome type VIIC. Last evaluated: 2020-09-16. Review status: no assertion criteria provided. Collection method: clinical testing. Allele origin: germline. Not counted in ClinVar's aggregate classification.